The following is an entry in ClinVar:

NM_001394062.1(MACF1):c.13600C>G (p.Pro4534Ala)

Gene: MACF1 (microtubule actin crosslinking factor 1; plus strand). Cytogenetic location: 1p34.3.
Variant type: single nucleotide variant.
Coding change: c.13600C>G on transcript NM_001394062.1 (MANE Select); coding-DNA position 13600, C replaced by G.
Protein change: p.Pro4534Ala; replaces proline 4534 with alanine.
Molecular consequence: missense variant.
Genome position (GRCh38, 1-based): chr1:39,380,325, C>G. VCF-style: chr1-39380325-C-G. GRCh37 (hg19) VCF-style: chr1-39845997-C-G.
Other names: c.7414C>G, p.Pro2472Ala (NM_012090.5); short protein forms P2472A, P4534A.
Identifiers: ClinVar variation 2585381 (VCV002585381.1), dbSNP rs867566442, ClinGen allele CA339831964.

ClinVar aggregate classification (germline): Uncertain significance (1 of 4 stars; one submission).

Conditions:
Lissencephaly 9 with complex brainstem malformation. Identifiers: Orphanet 572013, MedGen C5193029, MONDO:0032677, OMIM 618325.

Submission:

Neuberg Centre For Genomic Medicine, NCGM
Classification: Uncertain significance for Lissencephaly 9 with complex brainstem malformation. Review status: criteria provided, single submitter. Criteria: ACMG Guidelines, 2015. Collection method: clinical testing. Allele origin: germline. Inheritance: Autosomal dominant inheritance. Affected: yes.
Comment: The c.7414C>G (p.Pro2472Ala) missense variant in MACF1 gene has not been reported previously as a pathogenic variant nor as a benign variant, to our knowledge. The p.Pro2472Ala variant is novel (not in any individuals) in gnomAD Exomes and 1000 Genomes. The amino acid Pro at position 2472 is changed to a Ala changing protein sequence and it might alter its composition and physico-chemical properties. The variant is predicted to be damaging by PolyPhen2 and the residue is conserved across species. The amino acid change p.Pro2472Ala in MACF1 is predicted as conserved by GERP++ and PhyloP across 100 vertebrates. For these reasons, this variant has been classified as Variant of Uncertain Significance (VUS).